The following is an entry in ClinVar:

NM_004795.4(KL):c.320C>T (p.Ala107Val)

Gene: KL (klotho; plus strand). Cytogenetic location: 13q13.1.
Variant type: single nucleotide variant.
Coding change: c.320C>T on transcript NM_004795.4 (MANE Select); coding-DNA position 320, C replaced by T.
Protein change: p.Ala107Val; replaces alanine 107 with valine.
Molecular consequence: missense variant.
Genome position (GRCh38, 1-based): chr13:33,016,760, C>T. VCF-style: chr13-33016760-C-T. GRCh37 (hg19) VCF-style: chr13-33590898-C-T.
Other names: p.Ala107Val; short protein forms A107V.
Identifiers: ClinVar variation 311681 (VCV000311681.15), dbSNP rs115511178, ClinGen allele CA6943872.

ClinVar aggregate classification (germline): Benign. Review status: criteria provided, multiple submitters, no conflicts (2 of 4 stars). 4 submissions from 4 submitters: Benign (4). Last evaluated 2026-01-18.

Conditions:
Tumoral calcinosis, hyperphosphatemic, familial, 3. Identifiers: MedGen C4693864, MONDO:0060715, OMIM 617994.

Allele frequency attached by ClinVar (database versions not stated): gnomAD exomes 0.00154 and 0.00060; ExAC 0.00191; 1000 Genomes Project 0.00459; 1000 Genomes Project 30x 0.00531; gnomAD 0.00658 and 0.00702; ESP Exome Variant Server 0.00663; TOPMed 0.00755.
gnomAD v4.1: 1,918 of 1,611,810 alleles (0.12%); highest among the groups gnomAD compares: African/African-American, 2.2%; 20 homozygotes.

Submissions (6):

Labcorp Genetics (formerly Invitae), Labcorp
Classification: Benign. Last evaluated: 2026-01-18. Review status: criteria provided, single submitter. Criteria: Invitae Variant Classification Sherloc (09022015). Collection method: clinical testing. Allele origin: germline.

Mayo Clinic Laboratories, Mayo Clinic
Classification: Benign. Last evaluated: 2024-12-16. Review status: criteria provided, single submitter. Criteria: ACMG Guidelines, 2015. Collection method: clinical testing. Allele origin: germline. Observed: 1 variant allele.
Comment: BS1, BS2, BP4_moderate

Illumina Laboratory Services, Illumina
Classification: Benign for Tumoral calcinosis, hyperphosphatemic, familial, 3. Last evaluated: 2018-01-13. Review status: criteria provided, single submitter. Criteria: ICSL Variant Classification Criteria 13 December 2019. Collection method: clinical testing. Allele origin: germline.
Comment: This variant was observed in the ICSL laboratory as part of a predisposition screen in an ostensibly healthy population. It had not been previously curated by ICSL or reported in the Human Gene Mutation Database (HGMD: prior to June 1st, 2018), and was therefore a candidate for classification through an automated scoring system. Utilizing variant allele frequency, disease prevalence and penetrance estimates, and inheritance mode, an automated score was calculated to assess if this variant is too frequent to cause the disease. Based on the score and internal cut-off values, a variant classified as benign is not then subjected to further curation. The score for this variant resulted in a classification of benign for this disease.

Breakthrough Genomics
Classification: Benign. Review status: criteria provided, single submitter. Criteria: ACMG Guidelines, 2015. Collection method: not provided. Allele origin: germline. Inheritance: Autosomal recessive inheritance. Affected: yes.

Dr. Peter K. Rogan Lab, Western University
No classification provided (evidence only). Condition: Thyroid cancer, nonmedullary, 1. Review status: no classification provided. Collection method: in vitro. Allele origin: not applicable. Functional consequence: retained intron. Not counted in ClinVar's aggregate classification.

Dr. Peter K. Rogan Lab, Western University
No classification provided (evidence only). Condition: Thymoma. Review status: no classification provided. Collection method: in vitro. Allele origin: not applicable. Functional consequence: retained intron. Not counted in ClinVar's aggregate classification.